The following is an entry in ClinVar:

ClinVar aggregate classification (germline): Pathogenic (1 of 4 stars; one submission).

Submission:

Labcorp Genetics (formerly Invitae), Labcorp
Classification: Pathogenic. Last evaluated: 2023-03-07. Review status: criteria provided, single submitter. Criteria: Invitae Variant Classification Sherloc (09022015). Collection method: clinical testing. Allele origin: unknown.
Comment: For these reasons, this variant has been classified as Pathogenic. This variant has not been reported in the literature in individuals affected with PCDH15-related conditions. This variant is a gross deletion of the genomic region encompassing exon(s) 2-8 of the PCDH15 gene, which includes the initiator codon. This deletion extends beyond the assayed region for this gene and therefore may encompass additional genes. It is expected to result in an absent or disrupted protein product. Loss-of-function variants in PCDH15 are known to be pathogenic (PMID: 11398101, 11487575, 14570705).

Literature cited by the submitters: PubMed 11398101; PubMed 11487575; PubMed 14570705.

NC_000010.10:g.(?_56077011)_(56424022_?)del

Gene: PCDH15 (protocadherin related 15; minus strand). Cytogenetic location: 10q21.1.
Variant type: Deletion.
Identifiers: ClinVar variation 3245021 (VCV003245021.1).